The following is an entry in ClinVar:

ClinVar aggregate classification (germline): Uncertain significance. Review status: criteria provided, multiple submitters, no conflicts (2 of 4 stars). 2 submissions from 2 submitters: Uncertain significance (2). Last evaluated 2025-09-03.

Conditions:
Inborn genetic diseases. Identifiers: MedGen C0950123, MeSH D030342.

Submissions (2):

Labcorp Genetics (formerly Invitae), Labcorp
Classification: Uncertain significance. Last evaluated: 2025-09-03. Review status: criteria provided, single submitter. Criteria: Invitae Variant Classification Sherloc (09022015). Collection method: clinical testing. Allele origin: germline.
Comment: This sequence change replaces lysine, which is basic and polar, with arginine, which is basic and polar, at codon 60 of the ERCC6L2 protein (p.Lys60Arg). This variant is not present in population databases (gnomAD no frequency). This variant has not been reported in the literature in individuals affected with ERCC6L2-related conditions. An algorithm developed to predict the effect of missense changes on protein structure and function outputs the following: PolyPhen-2: "Not Available". The arginine amino acid residue is found in multiple mammalian species, which suggests that this missense change does not adversely affect protein function. In summary, the available evidence is currently insufficient to determine the role of this variant in disease. Therefore, it has been classified as a Variant of Uncertain Significance.

Ambry Genetics
Classification: Uncertain significance for Inborn genetic diseases. Last evaluated: 2025-08-31. Review status: criteria provided, single submitter. Criteria: Ambry Variant Classification Scheme 2023. Collection method: clinical testing. Allele origin: germline.
Comment: The p.K49R variant (also known as c.146A>G), located in coding exon 2 of the ERCC6L2 gene, results from an A to G substitution at nucleotide position 146. The lysine at codon 49 is replaced by arginine, an amino acid with highly similar properties. This amino acid position is conserved. In addition, this alteration is predicted to be tolerated by in silico analysis. Based on the available evidence, the clinical significance of this variant remains unclear.

NM_020207.7(ERCC6L2):c.146A>G (p.Lys49Arg)

Gene: ERCC6L2 (ERCC excision repair 6 like 2; plus strand). Cytogenetic location: 9q22.32.
Variant type: single nucleotide variant.
Coding change: c.146A>G on transcript NM_020207.7 (MANE Select); coding-DNA position 146, A replaced by G.
Protein change: p.Lys49Arg; replaces lysine 49 with arginine.
Molecular consequence: missense variant. On other transcripts: non-coding transcript variant (1).
Genome position (GRCh38, 1-based): chr9:95,880,968, A>G. VCF-style: chr9-95880968-A-G. GRCh37 (hg19) VCF-style: chr9-98643250-A-G.
Other names: c.146A>G, p.Lys49Arg (NM_001010895.4, NM_001375291.1, NM_001375292.1 and 2 more transcripts); short protein forms K49R.
Identifiers: ClinVar variation 4250636 (VCV004250636.2).